The following is an entry in ClinVar:

ClinVar aggregate classification (germline): Uncertain significance (1 of 4 stars; one submission).

Allele frequency attached by ClinVar (database versions not stated): ExAC 0.00002.

Submission:

Labcorp Genetics (formerly Invitae), Labcorp
Classification: Uncertain significance. Last evaluated: 2022-03-11. Review status: criteria provided, single submitter. Criteria: Invitae Variant Classification Sherloc (09022015). Collection method: clinical testing. Allele origin: germline.
Comment: This sequence change replaces aspartic acid, which is acidic and polar, with glycine, which is neutral and non-polar, at codon 479 of the FAM161A protein (p.Asp479Gly). This variant is present in population databases (rs772150309, gnomAD 0.002%). This variant has not been reported in the literature in individuals affected with FAM161A-related conditions. Algorithms developed to predict the effect of missense changes on protein structure and function (SIFT, PolyPhen-2, Align-GVGD) all suggest that this variant is likely to be tolerated. Algorithms developed to predict the effect of sequence changes on RNA splicing suggest that this variant may create or strengthen a splice site. In summary, the available evidence is currently insufficient to determine the role of this variant in disease. Therefore, it has been classified as a Variant of Uncertain Significance.

NM_001201543.2(FAM161A):c.1436A>G (p.Asp479Gly)

Gene: FAM161A (FAM161 centrosomal protein A; minus strand). Cytogenetic location: 2p15.
Variant type: single nucleotide variant.
Coding change: c.1436A>G on transcript NM_001201543.2 (MANE Select); coding-DNA position 1436, A replaced by G.
Protein change: p.Asp479Gly; replaces aspartic acid 479 with glycine.
Molecular consequence: missense variant. On other transcripts: non-coding transcript variant (1).
Genome position (GRCh38, 1-based): chr2:61,839,568, T>C on the plus strand (A>G on the coding strand, the complement: FAM161A is on the minus strand). VCF-style: chr2-61839568-T-C. GRCh37 (hg19) VCF-style: chr2-62066703-T-C.
Other names: c.1436A>G, p.Asp479Gly (NM_032180.3); short protein forms D479G.
Identifiers: ClinVar variation 2142305 (VCV002142305.4), dbSNP rs772150309, ClinGen allele CA1679158.